The following is an entry in ClinVar:

ClinVar aggregate classification (germline): Likely pathogenic (1 of 4 stars; one submission).

Submission:

Labcorp Genetics (formerly Invitae), Labcorp
Classification: Likely pathogenic. Last evaluated: 2024-01-09. Review status: criteria provided, single submitter. Criteria: Invitae Variant Classification Sherloc (09022015). Collection method: clinical testing. Allele origin: unknown.
Comment: This variant results in a copy number gain of the genomic region encompassing exon(s) 73-76 of the LRP2 gene. While the exact position of this variant cannot be determined from the data, sub-genic copy number gains are generally in tandem (PMID: 25640679). This variant is predicted to be out-of-frame, and may result in an absent or disrupted protein product. Loss-of-function variants in LRP2 are known to be pathogenic (PMID: 17632512, 25682901). This variant has not been reported in the literature in individuals affected with LRP2-related conditions. In summary, the currently available evidence indicates that the variant is pathogenic, but additional data are needed to prove that conclusively. Therefore, this variant has been classified as Likely Pathogenic.

Literature cited by the submitters: PubMed 25640679; PubMed 17632512; PubMed 25682901.

NC_000002.11:g.(?_169993882)_(169996140_?)dup

Gene: LRP2 (LDL receptor related protein 2; minus strand). Cytogenetic location: 2q31.1.
Variant type: Duplication.
Identifiers: ClinVar variation 3247529 (VCV003247529.1).